The following is an entry in ClinVar:

ClinVar aggregate classification (germline): Uncertain significance (1 of 4 stars; one submission).

Submission:

Labcorp Genetics (formerly Invitae), Labcorp
Classification: Uncertain significance. Last evaluated: 2022-10-04. Review status: criteria provided, single submitter. Criteria: Invitae Variant Classification Sherloc (09022015). Collection method: clinical testing. Allele origin: germline.
Comment: This variant is not present in population databases (gnomAD no frequency). This sequence change replaces proline, which is neutral and non-polar, with arginine, which is basic and polar, at codon 259 of the RDH5 protein (p.Pro259Arg). This variant has not been reported in the literature in individuals affected with RDH5-related conditions. In summary, the available evidence is currently insufficient to determine the role of this variant in disease. Therefore, it has been classified as a Variant of Uncertain Significance. Advanced modeling of protein sequence and biophysical properties (such as structural, functional, and spatial information, amino acid conservation, physicochemical variation, residue mobility, and thermodynamic stability) has been performed at Invitae for this missense variant, however the output from this modeling did not meet the statistical confidence thresholds required to predict the impact of this variant on RDH5 protein function.

NM_002905.5(RDH5):c.776C>G (p.Pro259Arg)

Genes: BLOC1S1-RDH5 (BLOC1S1-RDH5 readthrough; plus strand), CD63 (CD63 molecule; minus strand), RDH5 (retinol dehydrogenase 5; plus strand). Cytogenetic location: 12q13.2.
Variant type: single nucleotide variant.
Coding change: c.776C>G on transcript NM_002905.5 (MANE Select); coding-DNA position 776, C replaced by G.
Protein change: p.Pro259Arg; replaces proline 259 with arginine.
Molecular consequence: missense variant. On other transcripts: non-coding transcript variant (1), 3 prime UTR variant (2).
Genome position (GRCh38, 1-based): chr12:55,724,364, C>G. VCF-style: chr12-55724364-C-G. GRCh37 (hg19) VCF-style: chr12-56118148-C-G.
Other names: c.776C>G, p.Pro259Arg (NM_001199771.3); c.*700G>C (NM_001413284.1); c.*715G>C (NM_001413285.1); short protein forms P259R.
Identifiers: ClinVar variation 2094192 (VCV002094192.4), dbSNP rs748586229, ClinGen allele CA385203136.